The following is an entry in ClinVar:

NM_001164508.2(NEB):c.11850C>T (p.His3950=)

Gene: NEB (nebulin; minus strand). Cytogenetic location: 2q23.3.
Variant type: single nucleotide variant.
Coding change: c.11850C>T on transcript NM_001164508.2 (MANE Select); coding-DNA position 11850, C replaced by T.
Protein change: p.His3950=; no amino-acid change (histidine 3950 retained).
Molecular consequence: synonymous variant.
Genome position (GRCh38, 1-based): chr2:151,610,822, G>A on the plus strand (C>T on the coding strand, the complement: NEB is on the minus strand). VCF-style: chr2-151610822-G-A. GRCh37 (hg19) VCF-style: chr2-152467336-G-A.
Other names: c.11850C>T, p.His3950= (NM_001164507.2, NM_001271208.2); c.11121C>T, p.His3707= (NM_004543.5).
Identifiers: ClinVar variation 534066 (VCV000534066.14), dbSNP rs777244382, ClinGen allele CA1908654.

ClinVar aggregate classification (germline): Likely benign. Review status: criteria provided, multiple submitters, no conflicts (2 of 4 stars). 4 submissions from 4 submitters: Likely benign (3). 1 of the submissions does not count toward it. Last evaluated 2026-01-25.

Conditions:
Nemaline myopathy 2 (NEM2). Also called: Nemaline myopathy 2, autosomal recessive. Identifiers: MedGen C1850569, MONDO:0009725, OMIM 256030.
NEB-related disorder. Also called: NEB-related condition; NEB-Related Disorders.

Allele frequency attached by ClinVar (database versions not stated): gnomAD exomes 0.00005 and 0.00006; TOPMed 0.00005; gnomAD 0.00006; ExAC 0.00014.
gnomAD v4.1: 82 of 1,604,626 alleles (0.0051%); highest among the groups gnomAD compares: South Asian, 0.011%; no homozygotes.

Submissions (4):

Labcorp Genetics (formerly Invitae), Labcorp
Classification: Likely benign for Nemaline myopathy 2. Last evaluated: 2026-01-25. Review status: criteria provided, single submitter. Criteria: Invitae Variant Classification Sherloc (09022015). Collection method: clinical testing. Allele origin: germline.

Blueprint Genetics
Classification: Likely benign. Last evaluated: 2023-10-30. Review status: criteria provided, single submitter. Criteria: ACMG Guidelines, 2015. Collection method: clinical testing. Allele origin: germline.

GeneDx
Classification: Likely benign. Last evaluated: 2018-06-14. Review status: criteria provided, single submitter. Criteria: GeneDx Variant Classification (06012015). Collection method: clinical testing. Allele origin: germline. Affected: yes.
Comment: This variant is considered likely benign or benign based on one or more of the following criteria: it is a conservative change, it occurs at a poorly conserved position in the protein, it is predicted to be benign by multiple in silico algorithms, and/or has population frequency not consistent with disease.

PreventionGenetics, part of Exact Sciences
Classification: Likely benign for NEB-related condition. Last evaluated: 2019-04-29. Review status: no assertion criteria provided. Collection method: clinical testing. Allele origin: germline. Not counted in ClinVar's aggregate classification.
Comment: This variant is classified as likely benign based on ACMG/AMP sequence variant interpretation guidelines (Richards et al. 2015 PMID: 25741868, with internal and published modifications).